The following is an entry in ClinVar:

NM_017775.4(TTC19):c.255C>T (p.Ala85=)

Gene: TTC19 (tetratricopeptide repeat domain 19; plus strand). Cytogenetic location: 17p12.
Variant type: single nucleotide variant.
Coding change: c.255C>T on transcript NM_017775.4 (MANE Select); coding-DNA position 255, C replaced by T.
Protein change: p.Ala85=; no amino-acid change (alanine 85 retained).
Molecular consequence: synonymous variant. On other transcripts: 5 prime UTR variant (1).
Genome position (GRCh38, 1-based): chr17:16,000,188, C>T. VCF-style: chr17-16000188-C-T. GRCh37 (hg19) VCF-style: chr17-15903502-C-T.
Other names: c.-204C>T (NM_001271420.2).
Identifiers: ClinVar variation 2081198 (VCV002081198.29), dbSNP rs753681043, ClinGen allele CA8407266.
Genomic context (GRCh38, chr17:16,000,188, plus strand): 5'-GTTCTCGAGGCCCGCTGCGGCAGAGGAGGAGGAGCAGCAGGGAGCCGACGGGGCCGCTGC[C>T]GAGGACGGGGCGGACGAGGCCGAGGCAGAGATCATCCAGCTGCTGAAGCGAGCCAAGGTG-3'
Protein context (NP_060245.3, residues 75-95): EEQQGADGAA[Ala85=]EDGADEAEAE

ClinVar aggregate classification (germline): Likely benign. Review status: criteria provided, multiple submitters, no conflicts (2 of 4 stars). 3 submissions from 3 submitters: Likely benign (3). Last evaluated 2024-11-18.

Allele frequency attached by ClinVar (database versions not stated): ExAC 0.00003.

Submissions (3):

Blueprint Genetics
Classification: Likely benign. Last evaluated: 2024-11-18. Review status: criteria provided, single submitter. Criteria: ACMG Guidelines, 2015. Collection method: clinical testing. Allele origin: germline.

Labcorp Genetics (formerly Invitae), Labcorp
Classification: Likely benign. Last evaluated: 2024-05-15. Review status: criteria provided, single submitter. Criteria: Invitae Variant Classification Sherloc (09022015). Collection method: clinical testing. Allele origin: germline.

CeGaT Center for Human Genetics Tuebingen
Classification: Likely benign. Last evaluated: 2022-08-01. Review status: criteria provided, single submitter. Criteria: CeGaT Center For Human Genetics Tuebingen Variant Classification Criteria Version 2. Collection method: clinical testing. Allele origin: germline. Affected: yes. Observed: 1 variant allele.
Comment: TTC19: BP4, BP7